The following is an entry in ClinVar:

ClinVar aggregate classification (germline): Uncertain significance. Review status: criteria provided, multiple submitters, no conflicts (2 of 4 stars). 2 submissions from 2 submitters: Uncertain significance (2). Last evaluated 2025-04-17.

Conditions:
Ullrich congenital muscular dystrophy 2 (UCMD2). Identifiers: Orphanet 75840, MedGen C4225314, MONDO:0014654, OMIM 616470.
Bethlem myopathy 2 (BTHLM2). Identifiers: Orphanet 536516, Orphanet 610, MedGen C4225313, MONDO:0034022, OMIM 616471.

gnomAD v4.1: 1 of 1,613,538 alleles (0.000062%); highest among the groups gnomAD compares: Non-Finnish European, 0.000085%; no homozygotes.

Submissions (2):

Labcorp Genetics (formerly Invitae), Labcorp
Classification: Uncertain significance for Bethlem myopathy 2; Ullrich congenital muscular dystrophy 2. Last evaluated: 2025-04-17. Review status: criteria provided, single submitter. Criteria: Invitae Variant Classification Sherloc (09022015). Collection method: clinical testing. Allele origin: germline.
Comment: This sequence change replaces arginine, which is basic and polar, with threonine, which is neutral and polar, at codon 1235 of the COL12A1 protein (p.Arg1235Thr). This variant is not present in population databases (gnomAD no frequency). This variant has not been reported in the literature in individuals affected with COL12A1-related conditions. ClinVar contains an entry for this variant (Variation ID: 1676027). Invitae Evidence Modeling of protein sequence and biophysical properties (such as structural, functional, and spatial information, amino acid conservation, physicochemical variation, residue mobility, and thermodynamic stability) indicates that this missense variant is not expected to disrupt COL12A1 protein function with a negative predictive value of 80%. In summary, the available evidence is currently insufficient to determine the role of this variant in disease. Therefore, it has been classified as a Variant of Uncertain Significance.

CeGaT Center for Human Genetics Tuebingen
Classification: Uncertain significance. Last evaluated: 2022-01-01. Review status: criteria provided, single submitter. Criteria: CeGaT Center For Human Genetics Tuebingen Variant Classification Criteria Version 2. Collection method: clinical testing. Allele origin: germline. Affected: yes. Observed: 1 variant allele.

NM_004370.6(COL12A1):c.3704G>C (p.Arg1235Thr)

Gene: COL12A1 (collagen type XII alpha 1 chain; minus strand). Cytogenetic location: 6q13.
Variant type: single nucleotide variant.
Coding change: c.3704G>C on transcript NM_004370.6 (MANE Select); coding-DNA position 3704, G replaced by C.
Protein change: p.Arg1235Thr; replaces arginine 1235 with threonine.
Molecular consequence: missense variant.
Genome position (GRCh38, 1-based): chr6:75,152,344, C>G on the plus strand (G>C on the coding strand, the complement: COL12A1 is on the minus strand). VCF-style: chr6-75152344-C-G. GRCh37 (hg19) VCF-style: chr6-75862060-C-G.
Other names: c.212G>C, p.Arg71Thr (NM_080645.3); short protein forms R1235T, R71T.
Identifiers: ClinVar variation 1676027 (VCV001676027.34), dbSNP rs2149417604, ClinGen allele CA364749996.
Genomic context (GRCh38, chr6:75,152,344, plus strand): 5'-AAGAGAAAGATAAAAATGTCTAAATGGCTCCAATGTTGTCAGAACCTACCAATTTGTACT[C>G]TTTTGGGGCCAATGTCAAAGACTTCCACAATACGAGAAATGAAACTCCTCACGGTTCTAA-3'
Protein context (NP_004361.3, residues 1225-1245): IVEVFDIGPK[Arg1235Thr]VQIALAQYSG